The following is an entry in ClinVar:

NM_144997.7(FLCN):c.1343C>T (p.Thr448Ile)

Gene: FLCN (folliculin; minus strand). Cytogenetic location: 17p11.2.
Variant type: single nucleotide variant.
Coding change: c.1343C>T on transcript NM_144997.7 (MANE Select); coding-DNA position 1343, C replaced by T.
Protein change: p.Thr448Ile; replaces threonine 448 with isoleucine.
Molecular consequence: missense variant.
Genome position (GRCh38, 1-based): chr17:17,215,274, G>A on the plus strand (C>T on the coding strand, the complement: FLCN is on the minus strand). VCF-style: chr17-17215274-G-A. GRCh37 (hg19) VCF-style: chr17-17118588-G-A.
Other names: c.1397C>T, p.Thr466Ile (NM_001353229.2); c.1343C>T, p.Thr448Ile (NM_001353230.2, NM_001353231.2); short protein forms T466I, T448I.
Identifiers: ClinVar variation 3679417 (VCV003679417.2).

ClinVar aggregate classification (germline): Uncertain significance (1 of 4 stars; one submission).

Conditions:
Birt-Hogg-Dube syndrome. Also called: Birt Hogg Dubé syndrome. Identifiers: Orphanet 122, MedGen C0346010, MONDO:0800444.

Submission:

Labcorp Genetics (formerly Invitae), Labcorp
Classification: Uncertain significance for Birt-Hogg-Dube syndrome. Last evaluated: 2025-05-30. Review status: criteria provided, single submitter. Criteria: Invitae Variant Classification Sherloc (09022015). Collection method: clinical testing. Allele origin: germline.
Comment: This sequence change replaces threonine, which is neutral and polar, with isoleucine, which is neutral and non-polar, at codon 448 of the FLCN protein (p.Thr448Ile). This variant is not present in population databases (gnomAD no frequency). This variant has not been reported in the literature in individuals affected with FLCN-related conditions. ClinVar contains an entry for this variant (Variation ID: 3679417). Invitae Evidence Modeling of protein sequence and biophysical properties (such as structural, functional, and spatial information, amino acid conservation, physicochemical variation, residue mobility, and thermodynamic stability) indicates that this missense variant is not expected to disrupt FLCN protein function with a negative predictive value of 80%. In summary, the available evidence is currently insufficient to determine the role of this variant in disease. Therefore, it has been classified as a Variant of Uncertain Significance.